The following is an entry in ClinVar:

NM_001386393.1(PANK2):c.189C>G (p.Pro63=)

Genes: PANK2 (pantothenate kinase 2; plus strand), LOC130065345 (ATAC-STARR-seq lymphoblastoid silent region 12635; plus strand). Cytogenetic location: 20p13.
Variant type: single nucleotide variant.
Coding change: c.189C>G on transcript NM_001386393.1 (MANE Select); coding-DNA position 189, C replaced by G.
Protein change: p.Pro63=; no amino-acid change (proline 63 retained).
Molecular consequence: synonymous variant. On other transcripts: 5 prime UTR variant (1), non-coding transcript variant (1), intron variant (1).
Genome position (GRCh38, 1-based): chr20:3,889,619, C>G. VCF-style: chr20-3889619-C-G. GRCh37 (hg19) VCF-style: chr20-3870266-C-G.
Other names: c.-523C>G (NM_001324191.2); c.519C>G, p.Pro173= (NM_001324192.1, NM_153638.4); c.-246+715C>G (NM_024960.6).
Identifiers: ClinVar variation 338360 (VCV000338360.24), dbSNP rs71647829, ClinGen allele CA9750595.

ClinVar aggregate classification (germline): Benign/Likely benign. Review status: criteria provided, multiple submitters, no conflicts (2 of 4 stars). 6 submissions from 6 submitters: Benign (1); Likely benign (4). 1 of the submissions does not count toward it. Last evaluated 2026-01-28.

Conditions:
Pigmentary pallidal degeneration (NBIA1). Also called: Neuroaxonal dystrophy, late infantile; Hallervorden-Spatz disease; PKAN NEUROAXONAL DYSTROPHY, JUVENILE-ONSET; Neurodegeneration with brain iron accumulation 1; HARP SYNDROME; Pantothenate Kinase-Associated Neurodegeneration. Identifiers: Orphanet 157850, MedGen C0018523, MONDO:0009319, OMIM 234200.

Allele frequency attached by ClinVar (database versions not stated): gnomAD exomes 0.00066 and 0.00100; ExAC 0.00406; gnomAD 0.00750 and 0.00808; 1000 Genomes Project 0.00879; TOPMed 0.00891; 1000 Genomes Project 30x 0.00921.
gnomAD v4.1: 2,118 of 1,542,550 alleles (0.14%); highest among the groups gnomAD compares: African/African-American, 2.7%; 29 homozygotes.

Submissions (6):

Labcorp Genetics (formerly Invitae), Labcorp
Classification: Benign for Pigmentary pallidal degeneration. Last evaluated: 2026-01-28. Review status: criteria provided, single submitter. Criteria: Invitae Variant Classification Sherloc (09022015). Collection method: clinical testing. Allele origin: germline.

Blueprint Genetics
Classification: Likely benign. Last evaluated: 2024-11-08. Review status: criteria provided, single submitter. Criteria: ACMG Guidelines, 2015. Collection method: clinical testing. Allele origin: germline.

GeneDx
Classification: Likely benign. Last evaluated: 2020-10-15. Review status: criteria provided, single submitter. Criteria: GeneDx Variant Classification Process June 2021. Collection method: clinical testing. Allele origin: germline. Affected: yes.

Illumina Laboratory Services, Illumina
Classification: Likely benign for Pigmentary pallidal degeneration. Last evaluated: 2017-04-27. Review status: criteria provided, single submitter. Criteria: ICSL Variant Classification Criteria 13 December 2019. Collection method: clinical testing. Allele origin: germline.
Comment: This variant was observed as part of a predisposition screen in an ostensibly healthy population. A literature search was performed for the gene, cDNA change, and amino acid change (where applicable). Publications were found based on this search. The evidence from the literature, in combination with allele frequency data from public databases where available, was sufficient to determine this variant is unlikely to cause disease. Therefore, this variant is classified as likely benign.

Breakthrough Genomics
Classification: Likely benign. Review status: criteria provided, single submitter. Criteria: ACMG Guidelines, 2015. Collection method: not provided. Allele origin: germline. Inheritance: Autosomal recessive inheritance. Affected: yes.

Mayo Clinic Laboratories, Mayo Clinic
Classification: Benign. Last evaluated: 2016-03-16. Review status: no assertion criteria provided. Collection method: clinical testing. Allele origin: unknown. Not counted in ClinVar's aggregate classification.

Literature cited by the submitters: PubMed 21459825 (cited by Illumina Laboratory Services, Illumina); PubMed 15565311 (cited by Illumina Laboratory Services, Illumina).